The following is an entry in ClinVar:

NM_000179.3(MSH6):c.3123T>C (p.Asp1041=)

Gene: MSH6 (mutS homolog 6; plus strand). Cytogenetic location: 2p16.3.
Variant type: single nucleotide variant.
Coding change: c.3123T>C on transcript NM_000179.3 (MANE Select); coding-DNA position 3123, T replaced by C.
Protein change: p.Asp1041=; no amino-acid change (aspartic acid 1041 retained).
Molecular consequence: synonymous variant.
Genome position (GRCh38, 1-based): chr2:47,801,106, T>C. VCF-style: chr2-47801106-T-C. GRCh37 (hg19) VCF-style: chr2-48028245-T-C.
Other names: c.2733T>C, p.Asp911= (NM_001281492.2); c.2217T>C, p.Asp739= (NM_001281493.2, NM_001281494.2).
Identifiers: ClinVar variation 1091805 (VCV001091805.12), dbSNP rs1669551961, ClinGen allele CA426122003.

ClinVar aggregate classification (germline): Benign/Likely benign. Review status: criteria provided, multiple submitters, no conflicts (2 of 4 stars). 3 submissions from 3 submitters: Benign (1); Likely benign (2). Last evaluated 2025-01-03.

Conditions:
Hereditary cancer-predisposing syndrome. Also called: Hereditary Cancer Syndrome; Neoplastic Syndromes, Hereditary; Hereditary neoplastic syndrome; Tumor predisposition. Identifiers: Orphanet 140162, MedGen C0027672, MeSH D009386, MONDO:0015356.
Hereditary nonpolyposis colorectal neoplasms. Identifiers: MedGen C0009405, MeSH D003123.
Lynch syndrome 5 (LYNCH5). Also called: Colorectal cancer, hereditary nonpolyposis, type 5; Hereditary non-polyposis colorectal cancer, type 5. Identifiers: Orphanet 144, MedGen C1833477, MONDO:0013710, OMIM 614350. Disease mechanism: loss of function.

Submissions (3):

Myriad Genetics, Inc.
Classification: Benign for Lynch syndrome 5. Last evaluated: 2025-01-03. Review status: criteria provided, single submitter. Criteria: Myriad Autosomal Dominant, Autosomal Recessive and X-Linked Classification Criteria (2023). Collection method: clinical testing. Allele origin: unknown.
Comment: This variant is considered benign. This variant is a silent/synonymous amino acid change and it is not expected to impact splicing.

Color Diagnostics, LLC DBA Color Health
Classification: Likely benign for Hereditary cancer-predisposing syndrome. Last evaluated: 2022-04-18. Review status: criteria provided, single submitter. Criteria: ACMG Guidelines, 2015. Collection method: clinical testing. Allele origin: germline.

Labcorp Genetics (formerly Invitae), Labcorp
Classification: Likely benign for Hereditary nonpolyposis colorectal neoplasms. Last evaluated: 2019-07-11. Review status: criteria provided, single submitter. Criteria: Invitae Variant Classification Sherloc (09022015). Collection method: clinical testing. Allele origin: germline.